The following is an entry in ClinVar:

ClinVar aggregate classification (germline): Likely pathogenic. Review status: criteria provided, single submitter (1 of 4 stars). 2 submissions from 2 submitters: Likely pathogenic (1). 1 of the submissions does not count toward it. Last evaluated 2024-06-24.

Conditions:
Corticosterone methyl oxidase type II deficiency.
Corticosterone 18-monooxygenase deficiency. Also called: ALDOSTERONE DEFICIENCY DUE TO DEFECT IN STEROID 18-HYDROXYLASE; ALDOSTERONE DEFICIENCY I; CMO I DEFICIENCY; STEROID 18-HYDROXYLASE DEFICIENCY; 18 Hydroxylase deficiency; Aldosterone deficiency due to defect in 18 hydroxylase. Identifiers: Orphanet 427, MedGen C0268293, MONDO:0008751, OMIM 203400. Disease mechanism: loss of function.

Allele frequency attached by ClinVar (database versions not stated): gnomAD exomes 0.00001 and below 0.00001; ExAC 0.00002.
gnomAD v4.1: 1 of 1,613,098 alleles (0.000062%); highest among the groups gnomAD compares: Non-Finnish European, 0.000085%; no homozygotes.

Submissions (2):

Natera, Inc.
Classification: Likely pathogenic for Corticosterone methyl oxidase type II deficiency. Last evaluated: 2024-06-24. Review status: criteria provided, single submitter. Criteria: Natera Variant Classification Schema (03/2026). Collection method: clinical testing. Allele origin: germline.
Comment: The c.1382T>C variant in CYP11B2 is a missense variant predicted to cause substitution of leucine to proline at amino acid 461. This variant is rare in the general population with a frequency below the threshold expected for the associated phenotype(s). This variant has been observed in one or more individuals affected with the associated recessive disease, as either homozygous or compound heterozygous with a second variant (PMID: 9177280). Functional studies show that this variant may disrupt protein function (PMID: 9177280). Computational prediction algorithms indicate this variant is likely to affect gene or protein function. Given the available evidence, this variant is classified as Likely Pathogenic.

OMIM
Classification: Pathogenic for CORTICOSTERONE METHYLOXIDASE TYPE I DEFICIENCY. Last evaluated: 1997-05-19. Review status: no assertion criteria provided. Collection method: literature only. Allele origin: germline. Not counted in ClinVar's aggregate classification.

Literature cited by the submitters: PubMed 9177280 (cited by Natera, Inc. and OMIM).

NM_000498.3(CYP11B2):c.1382T>C (p.Leu461Pro)

Genes: CYP11B2 (cytochrome P450 family 11 subfamily B member 2; minus strand), LOC106799834 (CYP11B2 recombination region; plus strand). Cytogenetic location: 8q24.3.
Variant type: single nucleotide variant.
Coding change: c.1382T>C on transcript NM_000498.3 (MANE Select); coding-DNA position 1382, T replaced by C.
Protein change: p.Leu461Pro; replaces leucine 461 with proline.
Molecular consequence: missense variant.
Genome position (GRCh38, 1-based): chr8:142,912,546, A>G on the plus strand (T>C on the coding strand, the complement: CYP11B2 is on the minus strand). VCF-style: chr8-142912546-A-G. GRCh37 (hg19) VCF-style: chr8-143993962-A-G.
Other names: short protein forms L461P.
Identifiers: ClinVar variation 16879 (VCV000016879.3), dbSNP rs72554627, ClinGen allele CA126943.
Genomic context (GRCh38, chr8:142,912,546, plus strand): 5'-GCCTCTGCTGCCCAGGTCCCGCCCCCGCCCCCAGGCCTGCTTACGTGGTGCAGCAGCAGC[A>G]GCATCTCTGCCTCTGCCAGGCGCCGCCCGAGGCACTGGCGCATGCCAAAGCCAAAGGGCA-3'
Protein context (NP_000489.3, residues 451-471): LGRRLAEAEM[Leu461Pro]LLLHHVLKHF